The following is an entry in ClinVar:

GRCh38/hg38 20p13(chr20:89939-1770567)x1

Genes: FKBP1A (FKBP prolyl isomerase 1A; minus strand), FKBP1A-SDCBP2 (FKBP1A-SDCBP2 readthrough (NMD candidate); minus strand), MIR6869 (microRNA 6869; minus strand), NRSN2 (neurensin 2; plus strand), NRSN2-AS1 (NRSN2 antisense RNA 1; minus strand) and 99 more. Cytogenetic location: 20p13.
Variant type: copy number loss.
Change: copy number 1 (one copy instead of two) of chr20:89,939-1,770,567 (1.68 Mb, GRCh38 coordinates, 1-based), cytogenetic band 20p13.
Identifiers: ClinVar variation 58943 (VCV000058943.1).

ClinVar aggregate classification (germline): Pathogenic (1 of 4 stars; one submission).

Submission:

ISCA site 15
Classification: Pathogenic. Last evaluated: 2011-08-12. Review status: criteria provided, single submitter. Criteria: Kaminsky et al. (Genet Med. 2011). Collection method: clinical testing. Allele origin: unknown. Affected: yes. Observed: 1 variant allele.
Comment: Copy number variation identified through the course of routine clinical cytogenomic testing in postnatal populations. Clinical assertions have been curated as described in Kaminsky et al. 2011.